The following is an entry in ClinVar:

NM_000878.5(IL2RB):c.286C>T (p.Gln96Ter)

Gene: IL2RB (interleukin 2 receptor subunit beta; minus strand). Cytogenetic location: 22q12.3.
Variant type: single nucleotide variant.
Coding change: c.286C>T on transcript NM_000878.5 (MANE Select); coding-DNA position 286, C replaced by T.
Protein change: p.Gln96Ter; replaces glutamine 96 with a stop codon.
Molecular consequence: nonsense.
Genome position (GRCh38, 1-based): chr22:37,139,219, G>A on the plus strand (C>T on the coding strand, the complement: IL2RB is on the minus strand). VCF-style: chr22-37139219-G-A. GRCh37 (hg19) VCF-style: chr22-37535259-G-A.
Other names: c.286C>T, p.Gln96Ter (NM_001346222.1, NM_001346223.2); short protein forms Q96*.
Identifiers: ClinVar variation 545515 (VCV000545515.5), dbSNP rs1569044747, ClinGen allele CA411428742.
Genomic context (GRCh38, chr22:37,139,219, plus strand): 5'-ATCGCACCCCCTCACGGCACAGCACCCTCAGGGTGACGATGTCAACTGTGGTCAGTTTCT[G>A]AGACTGCAAGGGAAGGAGGGCAGGGGTGAAACTTCTAGCAGCTTCAGGCAGGGGAAGGGG-3'

ClinVar aggregate classification (germline): Pathogenic (0 of 4 stars; one submission).

Conditions:
Ichthyosis. Also called: Ichthyosis (disease). Identifiers: Orphanet 79354, MedGen C0020757, MONDO:0019269, HP:0008064.

Submission:

Laboratoire de Génétique Moléculaire, CHU Bordeaux
Classification: Pathogenic for Ichthyosis. Last evaluated: 2018-04-30. Review status: no assertion criteria provided. Collection method: case-control. Allele origin: inherited, not applicable. Inheritance: Autosomal recessive inheritance. Affected: yes. Observed: 1 variant allele, 1 homozygote.
Comment: NM_000878.4(IL2RB):c.286C>T is a nonsense mutation probably responsible for a premature stop codon in the extramembraneous domain of the beta-subunit of the IL-2 and IL-15 receptor. The putative effect is the loss of trimerization with the other two subunits (common gamma chain, and specific alpha-chains for IL-2 and IL15 respectively). Consequently, the signal transduction cannot occur leading to loss of FOXP3 protein expression (shown experimentally) causing absence or decrease of Treg. Subsequently autoimmunity cannot be prevented, leading to organ and skin infiltration by lymphocytes and giant multinuclear cells, which in turn caused generalyzed ichtyosis, arthrogryposis and premature death in three consecutive fetuses from a hignly consanguineous couple (Pennamen P., Vuillaume M-L., et al.)